The following is an entry in ClinVar:

NM_000277.3(PAH):c.-71A>C

Gene: PAH (phenylalanine hydroxylase; minus strand). Cytogenetic location: 12q23.2.
Variant type: single nucleotide variant.
Coding change: c.-71A>C on transcript NM_000277.3 (MANE Select); 71 bases upstream of the start codon, A replaced by C.
Molecular consequence: 5 prime UTR variant.
Genome position (GRCh38, 1-based): chr12:102,917,201, T>G on the plus strand (A>C on the coding strand, the complement: PAH is on the minus strand). VCF-style: chr12-102917201-T-G. GRCh37 (hg19) VCF-style: chr12-103310979-T-G.
Other names: c.-71A>C (NM_001354304.2).
Identifiers: ClinVar variation 102463 (VCV000102463.11), dbSNP rs2280615, ClinGen allele CA229262.

ClinVar aggregate classification (germline): Benign. Review status: reviewed by expert panel (3 of 4 stars). 6 submissions from 6 submitters: Benign (1). 5 of the submissions do not count toward it. Last evaluated 2020-03-27.

Conditions:
Phenylketonuria (PKU). Also called: Phenylketonuria (PKU); FOLLING DISEASE; OLIGOPHRENIA PHENYLPYRUVICA; Phenylketonurias. Identifiers: Orphanet 716, MedGen C0031485, MONDO:0009861, OMIM 261600. Disease mechanism: loss of function.

Allele frequency attached by ClinVar (database versions not stated): TOPMed 0.14896; 1000 Genomes Project 30x 0.12867; gnomAD 0.14271 and 0.14554; ESP Exome Variant Server 0.15856; 1000 Genomes Project 0.12600; gnomAD exomes 0.13363.
gnomAD v4.1: 184,690 of 1,371,262 alleles (13%); highest among the groups gnomAD compares: African/African-American, 17%; 13,187 homozygotes.

Submissions (6):

ClinGen PAH Variant Curation Expert Panel
Classification: Benign for Phenylketonuria. Last evaluated: 2020-03-27. Review status: reviewed by expert panel. Criteria: ClinGen PAH ACMG Specifications v1. Collection method: curation. Allele origin: germline. Inheritance: Autosomal recessive inheritance.
Comment: The c.-71A>C variant in PAH has a MAF of 0.16686 in the gnomAD African population. In summary this variant meets criteria to be classified as benign. PAH-specific ACMG/AMP criteria applied: BA1.

Pars Genome Lab
Classification: Benign for Phenylketonuria. Last evaluated: 2021-07-01. Review status: criteria provided, single submitter. Criteria: ACMG Guidelines, 2015. Collection method: clinical testing. Allele origin: germline. Affected: no. Not counted in ClinVar's aggregate classification.

Illumina Laboratory Services, Illumina
Classification: Benign for Phenylketonuria. Last evaluated: 2018-01-13. Review status: criteria provided, single submitter. Criteria: ICSL Variant Classification Criteria 13 December 2019. Collection method: clinical testing. Allele origin: germline. Not counted in ClinVar's aggregate classification.
Comment: This variant was observed in the ICSL laboratory as part of a predisposition screen in an ostensibly healthy population. It had not been previously curated by ICSL or reported in the Human Gene Mutation Database (HGMD: prior to June 1st, 2018), and was therefore a candidate for classification through an automated scoring system. Utilizing variant allele frequency, disease prevalence and penetrance estimates, and inheritance mode, an automated score was calculated to assess if this variant is too frequent to cause the disease. Based on the score and internal cut-off values, a variant classified as benign is not then subjected to further curation. The score for this variant resulted in a classification of benign for this disease.

GeneDx
Classification: Benign. Last evaluated: 2015-03-03. Review status: criteria provided, single submitter. Criteria: GeneDx Variant Classification Process June 2021. Collection method: clinical testing. Allele origin: germline. Affected: yes. Not counted in ClinVar's aggregate classification.

Breakthrough Genomics
Classification: Benign. Review status: criteria provided, single submitter. Criteria: ACMG Guidelines, 2015. Collection method: not provided. Allele origin: germline. Inheritance: Autosomal recessive inheritance. Affected: yes. Not counted in ClinVar's aggregate classification.

DeBelle Laboratory for Biochemical Genetics, MUHC/MCH RESEARCH INSTITUTE
No classification provided. Review status: no classification provided. Collection method: not provided. Allele origin: not provided. Not counted in ClinVar's aggregate classification.